The following is an entry in ClinVar:

ClinVar aggregate classification (germline): Likely benign (1 of 4 stars; one submission).

Allele frequency attached by ClinVar (database versions not stated): ExAC 0.00001; gnomAD 0.00001; gnomAD exomes 0.00002; ESP Exome Variant Server 0.00008.
gnomAD v4.1: 31 of 1,613,716 alleles (0.0019%); highest among the groups gnomAD compares: Non-Finnish European, 0.0025%; no homozygotes.

Submission:

CeGaT Center for Human Genetics Tuebingen
Classification: Likely benign. Last evaluated: 2022-10-01. Review status: criteria provided, single submitter. Criteria: CeGaT Center For Human Genetics Tuebingen Variant Classification Criteria Version 2. Collection method: clinical testing. Allele origin: germline. Affected: yes. Observed: 1 variant allele.
Comment: MPO: BP4, BP7

NM_000250.2(MPO):c.1935C>T (p.Gly645=)

Gene: MPO (myeloperoxidase; minus strand). Cytogenetic location: 17q22.
Variant type: single nucleotide variant.
Coding change: c.1935C>T on transcript NM_000250.2 (MANE Select); coding-DNA position 1935, C replaced by T.
Protein change: p.Gly645=; no amino-acid change (glycine 645 retained).
Molecular consequence: synonymous variant.
Genome position (GRCh38, 1-based): chr17:58,271,750, G>A on the plus strand (C>T on the coding strand, the complement: MPO is on the minus strand). VCF-style: chr17-58271750-G-A. GRCh37 (hg19) VCF-style: chr17-56349111-G-A.
Identifiers: ClinVar variation 2647955 (VCV002647955.24), dbSNP rs368505308, ClinGen allele CA8670484.